The following is an entry in ClinVar:

NM_007294.4(BRCA1):c.4965T>C (p.Ser1655=)

Gene: BRCA1 (BRCA1 DNA repair associated; minus strand). Cytogenetic location: 17q21.31.
Variant type: single nucleotide variant.
Coding change: c.4965T>C on transcript NM_007294.4 (MANE Select); coding-DNA position 4965, T replaced by C.
Protein change: p.Ser1655=; no amino-acid change (serine 1655 retained).
Molecular consequence: synonymous variant. On other transcripts: intron variant (1).
Genome position (GRCh38, 1-based): chr17:43,070,949, A>G on the plus strand (T>C on the coding strand, the complement: BRCA1 is on the minus strand). VCF-style: chr17-43070949-A-G. GRCh37 (hg19) VCF-style: chr17-41222966-A-G.
Other names: c.4752T>C, p.Ser1584= (NM_001407571.1, NM_001407894.1, NM_001407895.1 and 12 more transcripts); c.5031T>C, p.Ser1677= (NM_001407581.1, NM_001407582.1); c.5028T>C, p.Ser1676= (NM_001407583.1, NM_001407585.1, NM_001407587.1 and 1 more transcripts); c.5025T>C, p.Ser1675= (NM_001407590.1, NM_001407591.1); c.4965T>C, p.Ser1655= (NM_001407593.1, NM_001407594.1, NM_001407596.1 and 8 more transcripts); c.4962T>C, p.Ser1654= (NM_001407610.1, NM_001407611.1, NM_001407612.1 and 17 more transcripts); c.4959T>C, p.Ser1653= (NM_001407627.1, NM_001407628.1, NM_001407629.1 and 14 more transcripts); c.4956T>C, p.Ser1652= (NM_001407644.1, NM_001407645.1); and 71 more.
Identifiers: ClinVar variation 868456 (VCV000868456.3), dbSNP rs2052361389, ClinGen allele CA500231559.

Conditions:
Breast-ovarian cancer, familial, susceptibility to, 1 (BROVCA1). Also called: BRCA1 Hereditary Breast and Ovarian Cancer; OVARIAN CANCER, SUSCEPTIBILITY TO. Identifiers: Orphanet 145, MedGen C2676676, MONDO:0011450, OMIM 604370. Disease mechanism: loss of function.

Submission:

Brotman Baty Institute, University of Washington
No classification provided (evidence only). Condition: Breast-ovarian cancer, familial 1. Review status: no classification provided. Collection method: in vitro. Allele origin: not applicable. Functional consequence: functionally_normal.
ClinVar note: "not provided" was previously submitted as the classification for the variant. However, the classification appeared to be based only on an observation of functional data so it was converted to no classification on 2025-07-30.